The following is an entry in ClinVar:

ClinVar aggregate classification (germline): Uncertain significance. Review status: criteria provided, multiple submitters, no conflicts (2 of 4 stars). 2 submissions from 2 submitters: Uncertain significance (2). Last evaluated 2025-11-18.

Conditions:
Cardiovascular phenotype. Identifiers: MedGen CN230736.
Progressive familial heart block type IB (PFHB1B). Identifiers: Orphanet 871, MedGen C1970298, MONDO:0011474, OMIM 604559.

Allele frequency attached by ClinVar (database versions not stated): gnomAD 0.00001; gnomAD exomes 0.00001; TOPMed 0.00001; ExAC 0.00003.
gnomAD v4.1: 18 of 1,578,358 alleles (0.0011%); highest among the groups gnomAD compares: Non-Finnish European, 0.0015%; no homozygotes.

Submissions (2):

Labcorp Genetics (formerly Invitae), Labcorp
Classification: Uncertain significance for Progressive familial heart block type IB. Last evaluated: 2025-11-18. Review status: criteria provided, single submitter. Criteria: Invitae Variant Classification Sherloc (09022015). Collection method: clinical testing. Allele origin: germline.
Comment: This sequence change replaces arginine, which is basic and polar, with cysteine, which is neutral and slightly polar, at codon 855 of the TRPM4 protein (p.Arg855Cys). The frequency data for this variant in the population databases is considered unreliable, as metrics indicate poor data quality at this position in the gnomAD database. This variant has not been reported in the literature in individuals affected with TRPM4-related conditions. ClinVar contains an entry for this variant (Variation ID: 954093). An algorithm developed to predict the effect of missense changes on protein structure and function (PolyPhen-2) suggests that this variant is likely to be disruptive. In summary, the available evidence is currently insufficient to determine the role of this variant in disease. Therefore, it has been classified as a Variant of Uncertain Significance.

Ambry Genetics
Classification: Uncertain significance for Cardiovascular phenotype. Last evaluated: 2025-11-04. Review status: criteria provided, single submitter. Criteria: Ambry Variant Classification Scheme 2023. Collection method: clinical testing. Allele origin: germline.
Comment: The p.R855C variant (also known as c.2563C>T), located in coding exon 17 of the TRPM4 gene, results from a C to T substitution at nucleotide position 2563. The arginine at codon 855 is replaced by cysteine, an amino acid with highly dissimilar properties. This amino acid position is conserved. In addition, this alteration is predicted to be tolerated by in silico analysis. Based on the available evidence, the clinical significance of this variant remains unclear.

NM_017636.4(TRPM4):c.2563C>T (p.Arg855Cys)

Gene: TRPM4 (transient receptor potential cation channel subfamily M member 4; plus strand). Cytogenetic location: 19q13.33.
Variant type: single nucleotide variant.
Coding change: c.2563C>T on transcript NM_017636.4 (MANE Select); coding-DNA position 2563, C replaced by T.
Protein change: p.Arg855Cys; replaces arginine 855 with cysteine.
Molecular consequence: missense variant. On other transcripts: intron variant (1).
Genome position (GRCh38, 1-based): chr19:49,196,792, C>T. VCF-style: chr19-49196792-C-T. GRCh37 (hg19) VCF-style: chr19-49700049-C-T.
Other names: c.2218C>T, p.Arg740Cys (NM_001321281.2); c.955C>T, p.Arg319Cys (NM_001321282.2); c.2041C>T, p.Arg681Cys (NM_001321283.2); c.1501C>T, p.Arg501Cys (NM_001321285.2); c.2211-3508C>T (NM_001195227.2); short protein forms R501C, R740C, R319C, R681C, R855C.
Identifiers: ClinVar variation 954093 (VCV000954093.10), dbSNP rs762477533, ClinGen allele CA9569577.
Genomic context (GRCh38, chr19:49,196,792, plus strand): 5'-GGAGGCGGGGGCAGCCTCGCCAGCGGGGGCCCCGGGCCTGGCCATGCCTCACTGAGCCAG[C>T]GCCTGCGCCTCTACCTCGCCGACAGCTGGAACCAGTGCGACCTAGTGGCTCTCACCTGCT-3'
Protein context (NP_060106.2, residues 845-865): PGPGHASLSQ[Arg855Cys]LRLYLADSWN